The following is an entry in ClinVar:

ClinVar aggregate classification (germline): Conflicting classifications of pathogenicity. Review status: criteria provided, conflicting classifications (1 of 4 stars). 7 submissions from 6 submitters: Uncertain significance (2); Likely benign (2). 3 of the submissions do not count toward it. Last evaluated 2025-12-09.

Conditions:
Nephronophthisis. Also called: Juvenile Nephronophthisis. Identifiers: Orphanet 655, MedGen C0687120, MONDO:0019005, HP:0000090.
NPHP4-related disorder. Also called: NPHP4-related condition; NPHP4-related disorders. Identifiers: MedGen CN239384.
Nephronophthisis 4 (NPHP4). Also called: NEPHRONOPHTHISIS 4, JUVENILE. Identifiers: Orphanet 655, MedGen C1847013, MONDO:0011752, OMIM 606966.
Senior-Loken syndrome 4 (SLSN4). Identifiers: Orphanet 3156, MedGen C1846979, MONDO:0011756, OMIM 606996.

Allele frequency attached by ClinVar (database versions not stated): gnomAD exomes 0.00014 and 0.00022; TOPMed 0.00019; ExAC 0.00021; gnomAD 0.00023 and 0.00025; 1000 Genomes Project 30x 0.00047; ESP Exome Variant Server 0.00055; 1000 Genomes Project 0.00060.
gnomAD v4.1: 357 of 1,611,620 alleles (0.022%); highest among the groups gnomAD compares: Middle Eastern, 0.034%; 1 homozygote.

Submissions (7):

Labcorp Genetics (formerly Invitae), Labcorp
Classification: Likely benign for Nephronophthisis. Last evaluated: 2025-12-09. Review status: criteria provided, single submitter. Criteria: Invitae Variant Classification Sherloc (09022015). Collection method: clinical testing. Allele origin: germline.

Blueprint Genetics
Classification: Likely benign. Last evaluated: 2024-03-25. Review status: criteria provided, single submitter. Criteria: ACMG Guidelines, 2015. Collection method: clinical testing. Allele origin: germline.

Illumina Laboratory Services, Illumina
Classification: Uncertain significance for Nephronophthisis 4. Last evaluated: 2018-01-12. Review status: criteria provided, single submitter. Criteria: ICSL Variant Classification Criteria 13 December 2019. Collection method: clinical testing. Allele origin: germline.

Illumina Laboratory Services, Illumina
Classification: Uncertain significance for Senior-Loken syndrome 4. Last evaluated: 2018-01-12. Review status: criteria provided, single submitter. Criteria: ICSL Variant Classification Criteria 13 December 2019. Collection method: clinical testing. Allele origin: germline.

PreventionGenetics, part of Exact Sciences
Classification: Likely benign for NPHP4-related condition. Last evaluated: 2024-06-17. Review status: no assertion criteria provided. Collection method: clinical testing. Allele origin: germline. Not counted in ClinVar's aggregate classification.
Comment: This variant is classified as likely benign based on ACMG/AMP sequence variant interpretation guidelines (Richards et al. 2015 PMID: 25741868, with internal and published modifications).

Clinical Genetics DNA and cytogenetics Diagnostics Lab, Erasmus MC, Erasmus Medical Center
Classification: Likely benign. Review status: no assertion criteria provided. Collection method: clinical testing. Allele origin: germline. Affected: yes. Study: VKGL Data-share Consensus. Not counted in ClinVar's aggregate classification.

Clinical Genetics, Academic Medical Center
Classification: Benign. Review status: no assertion criteria provided. Collection method: clinical testing. Allele origin: germline. Affected: yes. Study: VKGL Data-share Consensus. Not counted in ClinVar's aggregate classification.

NM_015102.5(NPHP4):c.3105G>A (p.Pro1035=)

Gene: NPHP4 (nephrocystin 4; minus strand). Cytogenetic location: 1p36.31.
Variant type: single nucleotide variant.
Coding change: c.3105G>A on transcript NM_015102.5 (MANE Select); coding-DNA position 3105, G replaced by A.
Protein change: p.Pro1035=; no amino-acid change (proline 1035 retained).
Molecular consequence: synonymous variant. On other transcripts: non-coding transcript variant (1).
Genome position (GRCh38, 1-based): chr1:5,874,597, C>T on the plus strand (G>A on the coding strand, the complement: NPHP4 is on the minus strand). VCF-style: chr1-5874597-C-T. GRCh37 (hg19) VCF-style: chr1-5934657-C-T.
Other names: c.1566G>A, p.Pro522= (NM_001291593.2); c.1569G>A, p.Pro523= (NM_001291594.2).
Identifiers: ClinVar variation 698625 (VCV000698625.19), dbSNP rs151151838, ClinGen allele CA553794.